The following is an entry in ClinVar:

NM_022552.5(DNMT3A):c.131C>T (p.Thr44Met)

Gene: DNMT3A (DNA methyltransferase 3 alpha; minus strand). Cytogenetic location: 2p23.3.
Variant type: single nucleotide variant.
Coding change: c.131C>T on transcript NM_022552.5 (MANE Select); coding-DNA position 131, C replaced by T.
Protein change: p.Thr44Met; replaces threonine 44 with methionine.
Molecular consequence: missense variant. On other transcripts: non-coding transcript variant (1).
Genome position (GRCh38, 1-based): chr2:25,300,185, G>A on the plus strand (C>T on the coding strand, the complement: DNMT3A is on the minus strand). VCF-style: chr2-25300185-G-A. GRCh37 (hg19) VCF-style: chr2-25523054-G-A.
Other names: c.131C>T, p.Thr44Met (NM_001320892.2, NM_175629.2, NM_175630.1); c.131C>T (NM_175629.1); short protein forms T44M.
Identifiers: ClinVar variation 133983 (VCV000133983.16), dbSNP rs199643287, ClinGen allele CA158313.

ClinVar aggregate classification (germline): Conflicting classifications of pathogenicity. Review status: criteria provided, conflicting classifications (1 of 4 stars). 4 submissions from 4 submitters: Uncertain significance (1); Likely benign (2). 1 of the submissions does not count toward it. Last evaluated 2026-06-11.

Conditions:
DNMT3A-related disorder. Also called: DNMT3A-related disorders; DNMT3A-related condition.
Tatton-Brown-Rahman overgrowth syndrome. Also called: Tatton-Brown-Rahman syndrome; Tall stature-intellectual disability-facial dysmorphism syndrome. Identifiers: Orphanet 404443, MedGen C4014545, MONDO:0014382, OMIM 615879.
Inborn genetic diseases. Identifiers: MedGen C0950123, MeSH D030342.

Allele frequency attached by ClinVar (database versions not stated): gnomAD exomes 0.00004 and 0.00010; ESP Exome Variant Server 0.00008; ExAC 0.00010; gnomAD 0.00013 and 0.00014; TOPMed 0.00015; 1000 Genomes Project 30x 0.00016; 1000 Genomes Project 0.00020.
gnomAD v4.1: 79 of 1,612,832 alleles (0.0049%); highest among the groups gnomAD compares: East Asian, 0.025%; no homozygotes.

Submissions (4):

PreventionGenetics, part of Exact Sciences
Classification: Uncertain significance for DNMT3A-related condition. Last evaluated: 2026-06-11. Review status: criteria provided, single submitter. Criteria: ACMG Guidelines, 2015. Collection method: clinical testing. Allele origin: germline.
Comment: The DNMT3A c.131C>T variant is predicted to result in the amino acid substitution p.Thr44Met. To our knowledge, this variant has not been reported in the literature. This variant is reported in 0.075% of alleles in individuals of East Asian descent in gnomAD, which may be too frequent to be a primary cause of disease. Although we suspect that this variant may be benign, at this time, the clinical significance of this variant is uncertain due to the absence of conclusive functional and genetic evidence.

Labcorp Genetics (formerly Invitae), Labcorp
Classification: Likely benign for Tatton-Brown-Rahman overgrowth syndrome. Last evaluated: 2025-09-30. Review status: criteria provided, single submitter. Criteria: Invitae Variant Classification Sherloc (09022015). Collection method: clinical testing. Allele origin: germline.

Ambry Genetics
Classification: Likely benign for Inborn genetic diseases. Last evaluated: 2025-07-23. Review status: criteria provided, single submitter. Criteria: Ambry Variant Classification Scheme 2023. Collection method: clinical testing. Allele origin: germline.

ITMI
No classification provided. Condition: AllHighlyPenetrant. Last evaluated: 2013-09-19. Review status: no classification provided. Collection method: reference population. Allele origin: germline. Not counted in ClinVar's aggregate classification.
Comment: Please see associated publication for description of ethnicities

Literature cited by the submitters: PubMed 24728327 (cited by ITMI).